The following is an entry in ClinVar:

ClinVar aggregate classification (germline): Uncertain significance. Review status: criteria provided, multiple submitters, no conflicts (2 of 4 stars). 2 submissions from 2 submitters: Uncertain significance (2). Last evaluated 2025-06-18.

Conditions:
Nephronophthisis 14 (NPHP14). Identifiers: Orphanet 2318, MedGen C3539071, MONDO:0013916, OMIM 614844.

Allele frequency attached by ClinVar (database versions not stated): TOPMed 0.00001.
gnomAD v4.1: 8 of 1,613,868 alleles (0.0005%); highest among the groups gnomAD compares: Non-Finnish European, 0.00068%; no homozygotes.

Submissions (2):

Ambry Genetics
Classification: Uncertain significance. Last evaluated: 2025-06-18. Review status: criteria provided, single submitter. Criteria: Ambry Variant Classification Scheme 2023. Collection method: clinical testing. Allele origin: germline.

Labcorp Genetics (formerly Invitae), Labcorp
Classification: Uncertain significance for Nephronophthisis 14. Last evaluated: 2022-10-05. Review status: criteria provided, single submitter. Criteria: Invitae Variant Classification Sherloc (09022015). Collection method: clinical testing. Allele origin: germline.
Comment: This sequence change replaces glutamic acid, which is acidic and polar, with lysine, which is basic and polar, at codon 854 of the ZNF423 protein (p.Glu854Lys). This variant is present in population databases (rs754304924, gnomAD 0.0009%). This variant has not been reported in the literature in individuals affected with ZNF423-related conditions. ClinVar contains an entry for this variant (Variation ID: 1054846). Advanced modeling of protein sequence and biophysical properties (such as structural, functional, and spatial information, amino acid conservation, physicochemical variation, residue mobility, and thermodynamic stability) performed at Invitae indicates that this missense variant is not expected to disrupt ZNF423 protein function. In summary, the available evidence is currently insufficient to determine the role of this variant in disease. Therefore, it has been classified as a Variant of Uncertain Significance.

NM_001379286.1(ZNF423):c.2584G>A (p.Glu862Lys)

Gene: ZNF423 (zinc finger protein 423; minus strand). Cytogenetic location: 16q12.1.
Variant type: single nucleotide variant.
Coding change: c.2584G>A on transcript NM_001379286.1 (MANE Select); coding-DNA position 2584, G replaced by A.
Protein change: p.Glu862Lys; replaces glutamic acid 862 with lysine.
Molecular consequence: missense variant.
Genome position (GRCh38, 1-based): chr16:49,636,592, C>T on the plus strand (G>A on the coding strand, the complement: ZNF423 is on the minus strand). VCF-style: chr16-49636592-C-T. GRCh37 (hg19) VCF-style: chr16-49670503-C-T.
Other names: c.2380G>A, p.Glu794Lys (NM_001271620.2); c.2209G>A, p.Glu737Lys (NM_001330533.2); c.2560G>A, p.Glu854Lys (NM_015069.5); c.2560G>A (NM_015069.2); short protein forms E737K, E794K, E854K, E862K.
Identifiers: ClinVar variation 1054846 (VCV001054846.10), dbSNP rs754304924, ClinGen allele CA8046474.